The following is an entry in ClinVar:

ClinVar aggregate classification (germline): Uncertain significance. Review status: criteria provided, multiple submitters, no conflicts (2 of 4 stars). 2 submissions from 2 submitters: Uncertain significance (2). Last evaluated 2023-10-25.

Conditions:
Familial melanoma. Also called: Hereditary melanoma; Hereditary cutaneous melanoma. Identifiers: Orphanet 618, MedGen C1512419, MONDO:0018961.
Hereditary cancer-predisposing syndrome. Also called: Tumor predisposition; Hereditary neoplastic syndrome; Hereditary Cancer Syndrome; Neoplastic Syndromes, Hereditary. Identifiers: Orphanet 140162, MedGen C0027672, MeSH D009386, MONDO:0015356.

Submissions (2):

Ambry Genetics
Classification: Uncertain significance for Hereditary cancer-predisposing syndrome. Last evaluated: 2023-10-25. Review status: criteria provided, single submitter. Criteria: Ambry Variant Classification Scheme 2023. Collection method: clinical testing. Allele origin: germline.
Comment: The p.S267A variant (also known as c.799T>G), located in coding exon 6 of the CDK4 gene, results from a T to G substitution at nucleotide position 799. The serine at codon 267 is replaced by alanine, an amino acid with similar properties. This amino acid position is conserved. In addition, this alteration is predicted to be tolerated by in silico analysis. Since supporting evidence is limited at this time, the clinical significance of this alteration remains unclear.

Labcorp Genetics (formerly Invitae), Labcorp
Classification: Uncertain significance for Familial melanoma. Last evaluated: 2022-12-08. Review status: criteria provided, single submitter. Criteria: Invitae Variant Classification Sherloc (09022015). Collection method: clinical testing. Allele origin: germline.
Comment: This sequence change replaces serine, which is neutral and polar, with alanine, which is neutral and non-polar, at codon 267 of the CDK4 protein (p.Ser267Ala). In summary, the available evidence is currently insufficient to determine the role of this variant in disease. Therefore, it has been classified as a Variant of Uncertain Significance. Advanced modeling of protein sequence and biophysical properties (such as structural, functional, and spatial information, amino acid conservation, physicochemical variation, residue mobility, and thermodynamic stability) performed at Invitae indicates that this missense variant is not expected to disrupt CDK4 protein function. This variant has not been reported in the literature in individuals affected with CDK4-related conditions. This variant is not present in population databases (gnomAD no frequency).

NM_000075.4(CDK4):c.799T>G (p.Ser267Ala)

Genes: TSPAN31 (tetraspanin 31; plus strand), CDK4 (cyclin dependent kinase 4; minus strand). Cytogenetic location: 12q14.1.
Variant type: single nucleotide variant.
Coding change: c.799T>G on transcript NM_000075.4 (MANE Select); coding-DNA position 799, T replaced by G.
Protein change: p.Ser267Ala; replaces serine 267 with alanine.
Molecular consequence: missense variant. On other transcripts: 3 prime UTR variant (3).
Genome position (GRCh38, 1-based): chr12:57,749,202, A>C on the plus strand (T>G on the coding strand, the complement: CDK4 is on the minus strand). VCF-style: chr12-57749202-A-C. GRCh37 (hg19) VCF-style: chr12-58142985-A-C.
Other names: c.*1912A>C (NM_001330168.2, NM_001330169.2, NM_005981.5); short protein forms S267A.
Identifiers: ClinVar variation 2989685 (VCV002989685.4), dbSNP rs2140382678, ClinGen allele CA385543006.